The following is an entry in ClinVar:

ClinVar aggregate classification (germline): Uncertain significance (1 of 4 stars; one submission).

Allele frequency attached by ClinVar (database versions not stated): TOPMed below 0.00001.
gnomAD v4.1: 2 of 1,583,034 alleles (0.00013%); highest among the groups gnomAD compares: Non-Finnish European, 0.00017%; no homozygotes.

Submission:

Labcorp Genetics (formerly Invitae), Labcorp
Classification: Uncertain significance. Last evaluated: 2022-07-26. Review status: criteria provided, single submitter. Criteria: Invitae Variant Classification Sherloc (09022015). Collection method: clinical testing. Allele origin: germline.
Comment: This sequence change replaces proline, which is neutral and non-polar, with leucine, which is neutral and non-polar, at codon 1342 of the RUSC2 protein (p.Pro1342Leu). This variant is not present in population databases (gnomAD no frequency). This variant has not been reported in the literature in individuals affected with RUSC2-related conditions. ClinVar contains an entry for this variant (Variation ID: 1359995). Algorithms developed to predict the effect of missense changes on protein structure and function are either unavailable or do not agree on the potential impact of this missense change (SIFT: "Tolerated"; PolyPhen-2: "Probably Damaging"; Align-GVGD: "Class C0"). In summary, the available evidence is currently insufficient to determine the role of this variant in disease. Therefore, it has been classified as a Variant of Uncertain Significance.

NM_014806.5(RUSC2):c.4025C>T (p.Pro1342Leu)

Gene: RUSC2 (RUN and SH3 domain containing 2; plus strand). Cytogenetic location: 9p13.3.
Variant type: single nucleotide variant.
Coding change: c.4025C>T on transcript NM_014806.5 (MANE Select); coding-DNA position 4025, C replaced by T.
Protein change: p.Pro1342Leu; replaces proline 1342 with leucine.
Molecular consequence: missense variant. On other transcripts: non-coding transcript variant (1).
Genome position (GRCh38, 1-based): chr9:35,560,665, C>T. VCF-style: chr9-35560665-C-T. GRCh37 (hg19) VCF-style: chr9-35560662-C-T.
Other names: c.4025C>T, p.Pro1342Leu (NM_001135999.2); c.1391C>T, p.Pro464Leu (NM_001330740.2); short protein forms P1342L, P464L.
Identifiers: ClinVar variation 1359995 (VCV001359995.3), dbSNP rs1253055364, ClinGen allele CA373356134.